The following is an entry in ClinVar:

NM_172201.2(KCNE2):c.326C>T (p.Thr109Ile)

Genes: KCNE2 (potassium voltage-gated channel subfamily E regulatory subunit 2; plus strand), LOC105372791 (uncharacterized LOC105372791; minus strand). Cytogenetic location: 21q22.11.
Variant type: single nucleotide variant.
Coding change: c.326C>T on transcript NM_172201.2 (MANE Select); coding-DNA position 326, C replaced by T.
Protein change: p.Thr109Ile; replaces threonine 109 with isoleucine.
Molecular consequence: missense variant.
Genome position (GRCh38, 1-based): chr21:34,370,804, C>T. VCF-style: chr21-34370804-C-T. GRCh37 (hg19) VCF-style: chr21-35743103-C-T.
Other names: short protein forms T109I.
Identifiers: ClinVar variation 1729606 (VCV001729606.2), dbSNP rs2516741306, ClinGen allele CA410197127.
Genomic context (GRCh38, chr21:34,370,804, plus strand): 5'-TAGAGGACTGGCAGGAAAAGTACAAGAGCCAAATCTTGAATCTAGAAGAATCGAAGGCCA[C>T]CATCCATGAGAACATTGGTGCGGCTGGGTTCAAAATGTCCCCCTGATAAGGGAGAAAGGC-3'
Protein context (NP_751951.1, residues 99-119): QILNLEESKA[Thr109Ile]IHENIGAAGF

ClinVar aggregate classification (germline): Uncertain significance (1 of 4 stars; one submission).

Conditions:
Cardiovascular phenotype. Identifiers: MedGen CN230736.

Submission:

Ambry Genetics
Classification: Uncertain significance for Cardiovascular phenotype. Last evaluated: 2022-06-19. Review status: criteria provided, single submitter. Criteria: Ambry Variant Classification Scheme 2023. Collection method: clinical testing. Allele origin: germline.
Comment: The p.T109I variant (also known as c.326C>T), located in coding exon 1 of the KCNE2 gene, results from a C to T substitution at nucleotide position 326. The threonine at codon 109 is replaced by isoleucine, an amino acid with similar properties. This amino acid position is conserved. In addition, the in silico prediction for this alteration is inconclusive. Since supporting evidence is limited at this time, the clinical significance of this alteration remains unclear.